The following is an entry in ClinVar:

NM_013447.4(ADGRE2):c.839G>A (p.Arg280Gln)

Gene: ADGRE2 (adhesion G protein-coupled receptor E2; minus strand). Cytogenetic location: 19p13.12.
Variant type: single nucleotide variant.
Coding change: c.839G>A on transcript NM_013447.4 (MANE Select); coding-DNA position 839, G replaced by A.
Protein change: p.Arg280Gln; replaces arginine 280 with glutamine.
Molecular consequence: missense variant.
Genome position (GRCh38, 1-based): chr19:14,765,387, C>T on the plus strand (G>A on the coding strand, the complement: ADGRE2 is on the minus strand). VCF-style: chr19-14765387-C-T. GRCh37 (hg19) VCF-style: chr19-14876199-C-T.
Other names: c.839G>A, p.Arg280Gln (NM_001271052.1); c.692G>A, p.Arg231Gln (NM_152916.2); c.560G>A, p.Arg187Gln (NM_152917.2); short protein forms R187Q, R280Q, R231Q.
Identifiers: ClinVar variation 2163090 (VCV002163090.4), dbSNP rs148675610, ClinGen allele CA9257876.

ClinVar aggregate classification (germline): Uncertain significance (1 of 4 stars; one submission).

Allele frequency attached by ClinVar (database versions not stated): TOPMed 0.00002; gnomAD 0.00005; ExAC 0.00007; ESP Exome Variant Server 0.00008.
gnomAD v4.1: 117 of 1,613,970 alleles (0.0072%); highest among the groups gnomAD compares: South Asian, 0.012%; no homozygotes.

Submission:

Labcorp Genetics (formerly Invitae), Labcorp
Classification: Uncertain significance. Last evaluated: 2026-01-11. Review status: criteria provided, single submitter. Criteria: Invitae Variant Classification Sherloc (09022015). Collection method: clinical testing. Allele origin: germline.
Comment: This sequence change replaces arginine, which is basic and polar, with glutamine, which is neutral and polar, at codon 280 of the ADGRE2 protein (p.Arg280Gln). This variant is present in population databases (rs148675610, gnomAD 0.02%). This variant has not been reported in the literature in individuals affected with ADGRE2-related conditions. ClinVar contains an entry for this variant (Variation ID: 2163090). An algorithm developed to predict the effect of missense changes on protein structure and function outputs the following: PolyPhen-2: "Benign". The glutamine amino acid residue is found in multiple mammalian species, which suggests that this missense change does not adversely affect protein function. In summary, the available evidence is currently insufficient to determine the role of this variant in disease. Therefore, it has been classified as a Variant of Uncertain Significance.